The following is an entry in ClinVar:

NM_015909.4(NBAS):c.3461G>T (p.Gly1154Val)

Gene: NBAS (NBAS subunit of NRZ tethering complex; minus strand). Cytogenetic location: 2p24.3.
Variant type: single nucleotide variant.
Coding change: c.3461G>T on transcript NM_015909.4 (MANE Select); coding-DNA position 3461, G replaced by T.
Protein change: p.Gly1154Val; replaces glycine 1154 with valine.
Molecular consequence: missense variant. On other transcripts: non-coding transcript variant (1).
Genome position (GRCh38, 1-based): chr2:15,379,731, C>A on the plus strand (G>T on the coding strand, the complement: NBAS is on the minus strand). VCF-style: chr2-15379731-C-A. GRCh37 (hg19) VCF-style: chr2-15519855-C-A.
Other names: short protein forms G1154V.
Identifiers: ClinVar variation 1506299 (VCV001506299.8), dbSNP rs1322954508, ClinGen allele CA345897202.
Genomic context (GRCh38, chr2:15,379,731, plus strand): 5'-ACCAAGTCAATACTCTTTTCGTAGCTGACCCTGTAGTGGGGTTTCCCTTTATGGGCTATA[C>A]CAGCTGGAGGATTTTCTGAACAAGCACTGCAGTGCATCATCTGTCCAGCCAGGTGGATGT-3'
Protein context (NP_056993.2, residues 1144-1164): CSACSENPPA[Gly1154Val]IAHKGKPHYR

ClinVar aggregate classification (germline): Uncertain significance (1 of 4 stars; one submission).

Allele frequency attached by ClinVar (database versions not stated): TOPMed below 0.00001; gnomAD 0.00001.
gnomAD v4.1: 2 of 1,613,908 alleles (0.00012%); highest among the groups gnomAD compares: East Asian, 0.0022%; no homozygotes.

Submission:

Labcorp Genetics (formerly Invitae), Labcorp
Classification: Uncertain significance. Last evaluated: 2023-07-17. Review status: criteria provided, single submitter. Criteria: Invitae Variant Classification Sherloc (09022015). Collection method: clinical testing. Allele origin: germline.
Comment: In summary, the available evidence is currently insufficient to determine the role of this variant in disease. Therefore, it has been classified as a Variant of Uncertain Significance. Advanced modeling of protein sequence and biophysical properties (such as structural, functional, and spatial information, amino acid conservation, physicochemical variation, residue mobility, and thermodynamic stability) performed at Invitae indicates that this missense variant is not expected to disrupt NBAS protein function. ClinVar contains an entry for this variant (Variation ID: 1506299). This variant has not been reported in the literature in individuals affected with NBAS-related conditions. This variant is not present in population databases (gnomAD no frequency). This sequence change replaces glycine, which is neutral and non-polar, with valine, which is neutral and non-polar, at codon 1154 of the NBAS protein (p.Gly1154Val).